The following is an entry in ClinVar:

NM_020975.6(RET):c.996A>C (p.Glu332Asp)

Gene: RET (ret proto-oncogene; plus strand). Cytogenetic location: 10q11.21.
Variant type: single nucleotide variant.
Coding change: c.996A>C on transcript NM_020975.6 (MANE Select); coding-DNA position 996, A replaced by C.
Protein change: p.Glu332Asp; replaces glutamic acid 332 with aspartic acid.
Molecular consequence: missense variant. On other transcripts: intron variant (25).
Genome position (GRCh38, 1-based): chr10:43,106,504, A>C. VCF-style: chr10-43106504-A-C. GRCh37 (hg19) VCF-style: chr10-43601952-A-C.
Other names: c.867A>C, p.Glu289Asp (NM_001406768.1, NM_001406761.1, NM_001406762.1 and 1 more transcripts); c.708A>C, p.Glu236Asp (NM_001406770.1, NM_001406766.1, NM_001406767.1); c.996A>C, p.Glu332Asp (NM_020630.7, NM_001406744.1, NM_001406759.1 and 4 more transcripts); c.867+1311A>C (NM_001406772.1, NM_001406769.1); c.626-2527A>C (NM_001406773.1, NM_001406771.1); c.625+3875A>C (NM_001406782.1, NM_001406780.1, NM_001406779.1 and 3 more transcripts); c.338-5595A>C (NM_001406788.1, NM_001406789.1, NM_001406791.1 and 1 more transcripts); c.74-2527A>C (NM_001406784.1); and 5 more; short protein forms E236D, E332D, E289D, E78D.
Identifiers: ClinVar variation 3313690 (VCV003313690.1).

ClinVar aggregate classification (germline): Uncertain significance (1 of 4 stars; one submission).

Conditions:
Hereditary cancer-predisposing syndrome. Also called: Neoplastic Syndromes, Hereditary; Tumor predisposition; Hereditary neoplastic syndrome; Hereditary Cancer Syndrome. Identifiers: Orphanet 140162, MedGen C0027672, MeSH D009386, MONDO:0015356.

Submission:

Ambry Genetics
Classification: Uncertain significance for Hereditary cancer-predisposing syndrome. Last evaluated: 2024-04-12. Review status: criteria provided, single submitter. Criteria: Ambry Variant Classification Scheme 2023. Collection method: clinical testing. Allele origin: germline.
Comment: The p.E332D variant (also known as c.996A>C), located in coding exon 5 of the RET gene, results from an A to C substitution at nucleotide position 996. The glutamic acid at codon 332 is replaced by aspartic acid, an amino acid with highly similar properties. This amino acid position is conserved. In addition, this alteration is predicted to be tolerated by in silico analysis. Based on the available evidence, the clinical significance of this variant remains unclear.